The following is an entry in ClinVar:

ClinVar aggregate classification (germline): Uncertain significance. Review status: criteria provided, multiple submitters, no conflicts (2 of 4 stars). 2 submissions from 2 submitters: Uncertain significance (2). Last evaluated 2024-01-22.

Conditions:
Inborn genetic diseases. Identifiers: MedGen C0950123, MeSH D030342.

Allele frequency attached by ClinVar (database versions not stated): ExAC 0.00002; gnomAD 0.00002; TOPMed 0.00002; ESP Exome Variant Server 0.00008; gnomAD exomes 0.00008; 1000 Genomes Project 0.00020; 1000 Genomes Project 30x 0.00047.
gnomAD v4.1: 121 of 1,614,202 alleles (0.0075%); highest among the groups gnomAD compares: Non-Finnish European, 0.01%; no homozygotes.

Submissions (2):

Labcorp Genetics (formerly Invitae), Labcorp
Classification: Uncertain significance. Last evaluated: 2024-01-22. Review status: criteria provided, single submitter. Criteria: Invitae Variant Classification Sherloc (09022015). Collection method: clinical testing. Allele origin: germline.
Comment: This sequence change replaces isoleucine, which is neutral and non-polar, with threonine, which is neutral and polar, at codon 1624 of the VPS13D protein (p.Ile1624Thr). This variant is present in population databases (rs41279454, gnomAD 0.004%). This variant has not been reported in the literature in individuals affected with VPS13D-related conditions. ClinVar contains an entry for this variant (Variation ID: 2184018). Advanced modeling of protein sequence and biophysical properties (such as structural, functional, and spatial information, amino acid conservation, physicochemical variation, residue mobility, and thermodynamic stability) performed at Invitae indicates that this missense variant is expected to disrupt VPS13D protein function with a positive predictive value of 80%. In summary, the available evidence is currently insufficient to determine the role of this variant in disease. Therefore, it has been classified as a Variant of Uncertain Significance.

Ambry Genetics
Classification: Uncertain significance for Inborn genetic diseases. Last evaluated: 2023-05-24. Review status: criteria provided, single submitter. Criteria: Ambry Variant Classification Scheme 2023. Collection method: clinical testing. Allele origin: germline.

NM_015378.4(VPS13D):c.4871T>C (p.Ile1624Thr)

Gene: VPS13D (vacuolar protein sorting 13 homolog D; plus strand). Cytogenetic location: 1p36.22.
Variant type: single nucleotide variant.
Coding change: c.4871T>C on transcript NM_015378.4 (MANE Select); coding-DNA position 4871, T replaced by C.
Protein change: p.Ile1624Thr; replaces isoleucine 1624 with threonine.
Molecular consequence: missense variant.
Genome position (GRCh38, 1-based): chr1:12,282,973, T>C. VCF-style: chr1-12282973-T-C. GRCh37 (hg19) VCF-style: chr1-12343030-T-C.
Other names: c.4871T>C (NM_015378.2); c.4871T>C, p.Ile1624Thr (NM_018156.4); short protein forms I1624T.
Identifiers: ClinVar variation 2184018 (VCV002184018.6), dbSNP rs41279454, ClinGen allele CA602224.